The following is an entry in ClinVar:

NM_032833.5(PPP1R15B):c.410C>G (p.Thr137Ser)

Gene: PPP1R15B (protein phosphatase 1 regulatory subunit 15B; minus strand). Cytogenetic location: 1q32.1.
Variant type: single nucleotide variant.
Coding change: c.410C>G on transcript NM_032833.5 (MANE Select); coding-DNA position 410, C replaced by G.
Protein change: p.Thr137Ser; replaces threonine 137 with serine.
Molecular consequence: missense variant.
Genome position (GRCh38, 1-based): chr1:204,411,002, G>C on the plus strand (C>G on the coding strand, the complement: PPP1R15B is on the minus strand). VCF-style: chr1-204411002-G-C. GRCh37 (hg19) VCF-style: chr1-204380130-G-C.
Other names: short protein forms T137S.
Identifiers: ClinVar variation 1972595 (VCV001972595.5), dbSNP rs376604736, ClinGen allele CA1346819.
Genomic context (GRCh38, chr1:204,411,002, plus strand): 5'-TTTAGGTCTGGGGGCGAGTATTGCCAGTGGATCCCCTCCTCTAGCCAATCAAGGGGACTG[G>C]TGACCGAGGGGTCTGAGGAGTCGAGCTGCAGCGAACTCAAAGATTTCTGCGCTGTGGGGG-3'
Protein context (NP_116222.4, residues 127-147): LQLDSSDPSV[Thr137Ser]SPLDWLEEGI

ClinVar aggregate classification (germline): Uncertain significance (1 of 4 stars; one submission).

Allele frequency attached by ClinVar (database versions not stated): gnomAD exomes 0.00001; ExAC 0.00002; TOPMed 0.00002; gnomAD 0.00004; ESP Exome Variant Server 0.00008.
gnomAD v4.1: 16 of 1,614,068 alleles (0.00099%); highest among the groups gnomAD compares: Non-Finnish European, 0.0013%; no homozygotes.

Submission:

Labcorp Genetics (formerly Invitae), Labcorp
Classification: Uncertain significance. Last evaluated: 2022-11-01. Review status: criteria provided, single submitter. Criteria: Invitae Variant Classification Sherloc (09022015). Collection method: clinical testing. Allele origin: germline.
Comment: In summary, the available evidence is currently insufficient to determine the role of this variant in disease. Therefore, it has been classified as a Variant of Uncertain Significance. Advanced modeling of protein sequence and biophysical properties (such as structural, functional, and spatial information, amino acid conservation, physicochemical variation, residue mobility, and thermodynamic stability) performed at Invitae indicates that this missense variant is not expected to disrupt PPP1R15B protein function. This variant has not been reported in the literature in individuals affected with PPP1R15B-related conditions. This sequence change replaces threonine, which is neutral and polar, with serine, which is neutral and polar, at codon 137 of the PPP1R15B protein (p.Thr137Ser). This variant is present in population databases (rs376604736, gnomAD 0.005%).